The following is an entry in ClinVar:

NM_130837.3(OPA1):c.2620A>G (p.Lys874Glu)

Gene: OPA1 (OPA1 mitochondrial dynamin like GTPase; plus strand). Cytogenetic location: 3q29.
Variant type: single nucleotide variant.
Coding change: c.2620A>G on transcript NM_130837.3 (MANE Select); coding-DNA position 2620, A replaced by G.
Protein change: p.Lys874Glu; replaces lysine 874 with glutamic acid.
Molecular consequence: missense variant.
Genome position (GRCh38, 1-based): chr3:193,662,921, A>G. VCF-style: chr3-193662921-A-G. GRCh37 (hg19) VCF-style: chr3-193380710-A-G.
Other names: c.2086A>G, p.Lys696Glu (NM_001354663.2); c.2083A>G, p.Lys695Glu (NM_001354664.2); c.2455A>G, p.Lys819Glu (NM_015560.3); c.2347A>G, p.Lys783Glu (NM_130831.3); c.2401A>G, p.Lys801Glu (NM_130832.3); c.2458A>G, p.Lys820Glu (NM_130833.3); c.2509A>G, p.Lys837Glu (NM_130834.3); c.2512A>G, p.Lys838Glu (NM_130835.3); and 1 more; short protein forms K695E, K696E, K783E, K801E, K819E, K820E, K837E, K838E.
Identifiers: ClinVar variation 3896937 (VCV003896937.1).

ClinVar aggregate classification (germline): Uncertain significance (1 of 4 stars; one submission).

Conditions:
Autosomal dominant optic atrophy classic form (OPA1). Also called: KJER-TYPE OPTIC ATROPHY; OPTIC ATROPHY, JUVENILE; Optic Atrophy Type 1. Identifiers: Orphanet 98673, MedGen C0338508, MONDO:0008134, OMIM 165500.
Mitochondrial DNA depletion syndrome 14B (cardioencephalomyopathic type). Also called: Mitochondrial DNA depletion syndrome 14 (cardioencephalomyopathic type); Mitochondrial DNA depletion syndrome 14 (encephalocardiomyopathic type). Identifiers: MedGen C6065890, MONDO:0014820, OMIM 616896.

Submission:

Kariminejad - Najmabadi Pathology & Genetics Center
Classification: Uncertain significance for Autosomal dominant optic atrophy classic form; Mitochondrial DNA depletion syndrome 14B (cardioencephalomyopathic type). Last evaluated: 2024-06-16. Review status: criteria provided, single submitter. Criteria: ACMG Guidelines, 2015. Collection method: clinical testing. Allele origin: germline. Inheritance: Autosomal dominant inheritance. Affected: yes.
Comment: PM2,PP3_Moderate